The following is an entry in ClinVar:

NM_003108.4(SOX11):c.161A>G (p.Asn54Ser)

Gene: SOX11 (SRY-box transcription factor 11; plus strand). Cytogenetic location: 2p25.2.
Variant type: single nucleotide variant.
Coding change: c.161A>G on transcript NM_003108.4 (MANE Select); coding-DNA position 161, A replaced by G.
Protein change: p.Asn54Ser; replaces asparagine 54 with serine.
Molecular consequence: missense variant.
Genome position (GRCh38, 1-based): chr2:5,692,882, A>G. VCF-style: chr2-5692882-A-G. GRCh37 (hg19) VCF-style: chr2-5833014-A-G.
Other names: short protein forms N54S.
Identifiers: ClinVar variation 3767980 (VCV003767980.1).

ClinVar aggregate classification (germline): Uncertain significance (1 of 4 stars; one submission).

Conditions:
Intellectual developmental disorder with microcephaly and with or without ocular malformations or hypogonadotropic hypogonadism. Also called: Intellectual disability, autosomal dominant 27; Coffin-Siris Syndrome 9. Identifiers: Orphanet 1465, MedGen C4014528, MONDO:0014376, OMIM 615866.

Submission:

Diagnostics Services (NGS), CSIR - Centre For Cellular And Molecular Biology
Classification: Uncertain significance for Intellectual developmental disorder with microcephaly and with or without ocular malformations or hypogonadotropic hypogonadism. Last evaluated: 2025-02-19. Review status: criteria provided, single submitter. Criteria: ACMG Guidelines, 2015. Collection method: clinical testing. Allele origin: unknown. Affected: yes. Observed: 1 variant allele, 1 heterozygote.
Comment: The c.161A>G variant is not present in publicly available population databases like 1000 Genomes, EVS, gnomAD, Indian Exome Database or our internal database. This variant has neither been published in literature in individuals with SOX11-related conditions nor reported to the clinical databases like Human Genome Mutation Database (HGMD), ClinVar or OMIM, in any affected individuals. In-silico pathogenicity prediction programs like SIFT, Polyphen-2, MutationTaster2, CADD, Varsome, Franklin etc predicted the variant to be likely deleterious however these predictions were not confirmed by published functional studies. This variant is present in a mutational hotspot region of the gene and a different amino acid change in the same codon (Asn54Asp) has been previously reported to the ClinVar database as ‘Likely Pathogenic’ by a single submitter (Accession: VCV002661912.1).